The following is an entry in ClinVar:

NM_024334.3(TMEM43):c.721G>A (p.Val241Ile)

Gene: TMEM43 (transmembrane protein 43; plus strand). Cytogenetic location: 3p25.1.
Variant type: single nucleotide variant.
Coding change: c.721G>A on transcript NM_024334.3 (MANE Select); coding-DNA position 721, G replaced by A.
Protein change: p.Val241Ile; replaces valine 241 with isoleucine.
Molecular consequence: missense variant.
Genome position (GRCh38, 1-based): chr3:14,135,173, G>A. VCF-style: chr3-14135173-G-A. GRCh37 (hg19) VCF-style: chr3-14176673-G-A.
Other names: short protein forms V241I.
Identifiers: ClinVar variation 1181535 (VCV001181535.5), dbSNP rs747344238, ClinGen allele CA055166.

ClinVar aggregate classification (germline): Uncertain significance. Review status: criteria provided, multiple submitters, no conflicts (2 of 4 stars). 4 submissions from 4 submitters: Uncertain significance (4). Last evaluated 2025-08-04.

Conditions:
Cardiomyopathy (CMYO). Also called: Cardiomyopathies. Identifiers: Orphanet 167848, MedGen C0878544, MONDO:0004994, HP:0001638. Inheritance: Various modes of inheritance.
Arrhythmogenic right ventricular dysplasia 5. Also called: Arrhythmogenic Right Ventricular Dysplasia/Cardiomyopathy 5; ARRHYTHMOGENIC RIGHT VENTRICULAR DYSPLASIA, FAMILIAL, 5. Identifiers: MedGen C1858379, MONDO:0011459, OMIM 604400.

Allele frequency attached by ClinVar (database versions not stated): gnomAD exomes 0.00001; ExAC 0.00001.

Submissions (4):

Color Diagnostics, LLC DBA Color Health
Classification: Uncertain significance for Cardiomyopathy. Last evaluated: 2025-08-04. Review status: criteria provided, single submitter. Criteria: ACMG Guidelines, 2015. Collection method: clinical testing. Allele origin: germline.
Comment: This missense variant replaces valine with isoleucine at codon 241 of the TMEM43 protein. Computational prediction suggests that this variant may not impact protein structure and function. To our knowledge, functional studies have not been reported for this variant. This variant has not been reported in individuals affected with TMEM43-related disorders in the literature. This variant has been identified in 2/250012 chromosomes in the general population by the Genome Aggregation Database (gnomAD). The available evidence is insufficient to determine the role of this variant in disease conclusively. Therefore, this variant is classified as a Variant of Uncertain Significance.

Labcorp Genetics (formerly Invitae), Labcorp
Classification: Uncertain significance for Arrhythmogenic right ventricular dysplasia 5. Last evaluated: 2025-06-07. Review status: criteria provided, single submitter. Criteria: Invitae Variant Classification Sherloc (09022015). Collection method: clinical testing. Allele origin: germline.
Comment: This sequence change replaces valine, which is neutral and non-polar, with isoleucine, which is neutral and non-polar, at codon 241 of the TMEM43 protein (p.Val241Ile). This variant is present in population databases (rs747344238, gnomAD 0.002%). This variant has not been reported in the literature in individuals affected with TMEM43-related conditions. ClinVar contains an entry for this variant (Variation ID: 1181535). Invitae Evidence Modeling of protein sequence and biophysical properties (such as structural, functional, and spatial information, amino acid conservation, physicochemical variation, residue mobility, and thermodynamic stability) indicates that this missense variant is not expected to disrupt TMEM43 protein function with a negative predictive value of 80%. In summary, the available evidence is currently insufficient to determine the role of this variant in disease. Therefore, it has been classified as a Variant of Uncertain Significance.

All of Us Research Program, National Institutes of Health
Classification: Uncertain significance for Arrhythmogenic right ventricular dysplasia 5. Last evaluated: 2024-05-14. Review status: criteria provided, single submitter. Criteria: ACMG Guidelines, 2015. Collection method: clinical testing. Allele origin: germline. Inheritance: Autosomal dominant inheritance. Observed: 3 variant alleles, 3 heterozygotes.
Comment: This missense variant replaces valine with isoleucine at codon 241 of the TMEM43 protein. Computational prediction suggests that this variant may not impact protein structure and function (internally defined REVEL score threshold <= 0.5, PMID: 27666373). To our knowledge, functional studies have not been reported for this variant. This variant has not been reported in individuals affected with TMEM43-related disorders in the literature. This variant has been identified in 2/250012 chromosomes in the general population by the Genome Aggregation Database (gnomAD). The available evidence is insufficient to determine the role of this variant in disease conclusively. Therefore, this variant is classified as a Variant of Uncertain Significance.

This study involves interpretation of variants in research participants for the purpose of population health screening. Participant phenotype was not available at the time of variant classification. Additional details can be found in publication PMID: 35346344, PMCID: PMC8962531

GeneDx
Classification: Uncertain significance. Last evaluated: 2020-03-12. Review status: criteria provided, single submitter. Criteria: GeneDx Variant Classification Process June 2021. Collection method: clinical testing. Allele origin: germline. Affected: yes.
Comment: Not observed at a significant frequency in large population cohorts (Lek 2016); In silico analysis supports that this missense variant does not alter protein structure/function; Has not been previously published as pathogenic or benign to our knowledge